The following is an entry in ClinVar:

NM_018136.5(ASPM):c.3637G>A (p.Glu1213Lys)

Gene: ASPM (assembly factor for spindle microtubules; minus strand). Cytogenetic location: 1q31.3.
Variant type: single nucleotide variant.
Coding change: c.3637G>A on transcript NM_018136.5 (MANE Select); coding-DNA position 3637, G replaced by A.
Protein change: p.Glu1213Lys; replaces glutamic acid 1213 with lysine.
Molecular consequence: missense variant.
Genome position (GRCh38, 1-based): chr1:197,122,263, C>T on the plus strand (G>A on the coding strand, the complement: ASPM is on the minus strand). VCF-style: chr1-197122263-C-T. GRCh37 (hg19) VCF-style: chr1-197091393-C-T.
Other names: c.3637G>A, p.Glu1213Lys (NM_001206846.2); short protein forms E1213K.
Identifiers: ClinVar variation 1948118 (VCV001948118.3), dbSNP rs756065244, ClinGen allele CA1310116.

ClinVar aggregate classification (germline): Uncertain significance (1 of 4 stars; one submission).

Allele frequency attached by ClinVar (database versions not stated): gnomAD exomes 0.00001; TOPMed 0.00001; ExAC 0.00002.
gnomAD v4.1: 13 of 1,613,604 alleles (0.00081%); highest among the groups gnomAD compares: East Asian, 0.029%; no homozygotes.

Submission:

Labcorp Genetics (formerly Invitae), Labcorp
Classification: Uncertain significance. Last evaluated: 2023-10-13. Review status: criteria provided, single submitter. Criteria: Invitae Variant Classification Sherloc (09022015). Collection method: clinical testing. Allele origin: germline.
Comment: This sequence change replaces glutamic acid, which is acidic and polar, with lysine, which is basic and polar, at codon 1213 of the ASPM protein (p.Glu1213Lys). This variant is present in population databases (rs756065244, gnomAD 0.05%). This variant has not been reported in the literature in individuals affected with ASPM-related conditions. ClinVar contains an entry for this variant (Variation ID: 1948118). Advanced modeling of protein sequence and biophysical properties (such as structural, functional, and spatial information, amino acid conservation, physicochemical variation, residue mobility, and thermodynamic stability) performed at Invitae indicates that this missense variant is not expected to disrupt ASPM protein function. Algorithms developed to predict the effect of sequence changes on RNA splicing suggest that this variant may disrupt the consensus splice site. In summary, the available evidence is currently insufficient to determine the role of this variant in disease. Therefore, it has been classified as a Variant of Uncertain Significance.